The following is an entry in ClinVar:

ClinVar aggregate classification (germline): Likely benign (1 of 4 stars; one submission).

Allele frequency attached by ClinVar (database versions not stated): gnomAD exomes 0.00059; 1000 Genomes Project 30x 0.00547; gnomAD 0.00552 and 0.00598; TOPMed 0.00590; 1000 Genomes Project 0.00599.
gnomAD v4.1: 1,072 of 530,662 alleles (0.2%); highest among the groups gnomAD compares: African/African-American, 1.9%; 9 homozygotes.

Submission:

GeneDx
Classification: Likely benign. Last evaluated: 2018-06-14. Review status: criteria provided, single submitter. Criteria: GeneDx Variant Classification (06012015). Collection method: clinical testing. Allele origin: germline. Affected: yes.
Comment: This variant is considered likely benign or benign based on one or more of the following criteria: it is a conservative change, it occurs at a poorly conserved position in the protein, it is predicted to be benign by multiple in silico algorithms, and/or has population frequency not consistent with disease.

NM_153026.3(PRICKLE1):c.246+230C>T

Gene: PRICKLE1 (prickle planar cell polarity protein 1; minus strand). Cytogenetic location: 12q12.
Variant type: single nucleotide variant.
Coding change: c.246+230C>T on transcript NM_153026.3 (MANE Select); 230 bases into the intron after coding-DNA position 246, C replaced by T.
Molecular consequence: intron variant.
Genome position (GRCh38, 1-based): chr12:42,470,016, G>A on the plus strand (C>T on the coding strand, the complement: PRICKLE1 is on the minus strand). VCF-style: chr12-42470016-G-A. GRCh37 (hg19) VCF-style: chr12-42863818-G-A.
Other names: c.246+230C>T (NM_001144883.2, NM_001144882.2, NM_001144881.2).
Identifiers: ClinVar variation 677535 (VCV000677535.1), dbSNP rs111539888, ClinGen allele CA235494428.